The following is an entry in ClinVar:

NM_017849.4(TMEM127):c.220T>C (p.Tyr74His)

Gene: TMEM127 (transmembrane protein 127; minus strand). Cytogenetic location: 2q11.2.
Variant type: single nucleotide variant.
Coding change: c.220T>C on transcript NM_017849.4 (MANE Select); coding-DNA position 220, T replaced by C.
Protein change: p.Tyr74His; replaces tyrosine 74 with histidine.
Molecular consequence: missense variant. On other transcripts: intron variant (1).
Genome position (GRCh38, 1-based): chr2:96,265,162, A>G on the plus strand (T>C on the coding strand, the complement: TMEM127 is on the minus strand). VCF-style: chr2-96265162-A-G. GRCh37 (hg19) VCF-style: chr2-96930900-A-G.
Other names: c.220T>C, p.Tyr74His (NM_001193304.3); c.-9+707T>C (NM_001407283.1); short protein forms Y74H.
Identifiers: ClinVar variation 4720451 (VCV004720451.1).

ClinVar aggregate classification (germline): Uncertain significance (1 of 4 stars; one submission).

Conditions:
Hereditary pheochromocytoma and paraganglioma. Also called: Hereditary pheochromocytoma-paraganglioma; Hereditary Paraganglioma-Pheochromocytoma Syndromes; Hereditary paragangliomas and pheochromocytomas. Identifiers: Orphanet 29072, MedGen C4274332, MONDO:0017366.

gnomAD v4.1: 1 of 1,611,734 alleles (0.000062%); highest among the groups gnomAD compares: Non-Finnish European, 0.000085%; no homozygotes.

Submission:

Labcorp Genetics (formerly Invitae), Labcorp
Classification: Uncertain significance for Hereditary pheochromocytoma and paraganglioma. Last evaluated: 2025-05-30. Review status: criteria provided, single submitter. Criteria: Invitae Variant Classification Sherloc (09022015). Collection method: clinical testing. Allele origin: germline.
Comment: This sequence change replaces tyrosine, which is neutral and polar, with histidine, which is basic and polar, at codon 74 of the TMEM127 protein (p.Tyr74His). This variant is not present in population databases (gnomAD no frequency). This variant has not been reported in the literature in individuals affected with TMEM127-related conditions. An algorithm developed to predict the effect of missense changes on protein structure and function (PolyPhen-2) suggests that this variant is likely to be tolerated. In summary, the available evidence is currently insufficient to determine the role of this variant in disease. Therefore, it has been classified as a Variant of Uncertain Significance.